The following is an entry in ClinVar:

NM_000038.6(APC):c.5235G>A (p.Lys1745=)

Gene: APC (APC regulator of Wnt signaling pathway; plus strand). Cytogenetic location: 5q22.2.
Variant type: single nucleotide variant.
Coding change: c.5235G>A on transcript NM_000038.6 (MANE Select); coding-DNA position 5235, G replaced by A.
Protein change: p.Lys1745=; no amino-acid change (lysine 1745 retained).
Molecular consequence: synonymous variant. On other transcripts: non-coding transcript variant (2).
Genome position (GRCh38, 1-based): chr5:112,840,829, G>A. VCF-style: chr5-112840829-G-A. GRCh37 (hg19) VCF-style: chr5-112176526-G-A.
Other names: c.5235G>A, p.Lys1745= (NM_001127510.3, NM_001354895.2, NM_001407450.1); c.5181G>A, p.Lys1727= (NM_001127511.3); c.5289G>A, p.Lys1763= (NM_001354896.2, NM_001407447.1, NM_001407448.1 and 1 more transcripts); c.5265G>A, p.Lys1755= (NM_001354897.2); c.5160G>A, p.Lys1720= (NM_001354898.2); c.5151G>A, p.Lys1717= (NM_001354899.2); c.5112G>A, p.Lys1704= (NM_001354900.2); c.5058G>A, p.Lys1686= (NM_001354901.2, NM_001407453.1); and 12 more.
Identifiers: ClinVar variation 3254322 (VCV003254322.2), dbSNP rs2149935380.
Genomic context (GRCh38, chr5:112,840,829, plus strand): 5'-AGAATGCATTAATTCTGCTATGCCCAAAGGGAAAAGTCACAAGCCTTTCCGTGTGAAAAA[G>A]ATAATGGACCAGGTCCAGCAAGCATCTGCGTCTTCTTCTGCACCCAACAAAAATCAGTTA-3'
Protein context (NP_000029.2, residues 1735-1755): GKSHKPFRVK[Lys1745=]IMDQVQQASA

ClinVar aggregate classification (germline): Benign/Likely benign. Review status: criteria provided, multiple submitters, no conflicts (2 of 4 stars). 2 submissions from 2 submitters: Benign (1); Likely benign (1). Last evaluated 2025-09-07.

Conditions:
Hereditary cancer-predisposing syndrome. Also called: Hereditary Cancer Syndrome; Tumor predisposition; Hereditary neoplastic syndrome; Neoplastic Syndromes, Hereditary. Identifiers: Orphanet 140162, MedGen C0027672, MeSH D009386, MONDO:0015356.
Familial adenomatous polyposis 1 (FAP1). Also called: FAMILIAL ADENOMATOUS POLYPOSIS 1, ATTENUATED; POLYPOSIS, ADENOMATOUS INTESTINAL. Identifiers: MedGen C2713442, MONDO:0021056, OMIM 175100. Disease mechanism: loss of function.

Submissions (2):

Ambry Genetics
Classification: Likely benign for Hereditary cancer-predisposing syndrome. Last evaluated: 2025-09-07. Review status: criteria provided, single submitter. Criteria: Ambry Variant Classification Scheme 2023. Collection method: clinical testing. Allele origin: germline.

Myriad Genetics, Inc.
Classification: Benign for Familial adenomatous polyposis 1. Last evaluated: 2024-04-01. Review status: criteria provided, single submitter. Criteria: Myriad Autosomal Dominant, Autosomal Recessive and X-Linked Classification Criteria (2023). Collection method: clinical testing. Allele origin: unknown.
Comment: This variant is considered benign. This variant is a silent/synonymous amino acid change and it is not expected to impact splicing.